The following is an entry in ClinVar:

NM_001171613.2(PREPL):c.143-3C>T

Gene: PREPL (prolyl endopeptidase like; minus strand). Cytogenetic location: 2p21.
Variant type: single nucleotide variant.
Coding change: c.143-3C>T on transcript NM_001171613.2 (MANE Select); 3 bases into the intron before coding-DNA position 143, C replaced by T.
Molecular consequence: intron variant.
Genome position (GRCh38, 1-based): chr2:44,343,954, G>A on the plus strand (C>T on the coding strand, the complement: PREPL is on the minus strand). VCF-style: chr2-44343954-G-A. GRCh37 (hg19) VCF-style: chr2-44571093-G-A.
Other names: c.143-3C>T (NM_001171617.1, NM_001374277.1); c.410-3C>T (NM_001171603.1, NM_001374275.1, NM_001374276.1 and 4 more transcripts).
Identifiers: ClinVar variation 1512201 (VCV001512201.6), dbSNP rs545943181, ClinGen allele CA2573134820.

ClinVar aggregate classification (germline): Uncertain significance (1 of 4 stars; one submission).

Conditions:
Myasthenic syndrome, congenital, 22 (CMS22). Also called: PREPL DEFICIENCY. Identifiers: MedGen C4479088, MONDO:0044299, OMIM 616224.

Allele frequency attached by ClinVar (database versions not stated): gnomAD exomes below 0.00001.
gnomAD v4.1: 1 of 1,611,372 alleles (0.000062%); highest among the groups gnomAD compares: Non-Finnish European, 0.000085%; no homozygotes.

Submission:

Labcorp Genetics (formerly Invitae), Labcorp
Classification: Uncertain significance for Myasthenic syndrome, congenital, 22. Last evaluated: 2021-10-18. Review status: criteria provided, single submitter. Criteria: Invitae Variant Classification Sherloc (09022015). Collection method: clinical testing. Allele origin: germline.
Comment: In summary, the available evidence is currently insufficient to determine the role of this variant in disease. Therefore, it has been classified as a Variant of Uncertain Significance. Variants that disrupt the consensus splice site are a relatively common cause of aberrant splicing (PMID: 17576681, 9536098). Algorithms developed to predict the effect of sequence changes on RNA splicing suggest that this variant is not likely to affect RNA splicing. This variant has not been reported in the literature in individuals affected with PREPL-related conditions. This variant is not present in population databases (ExAC no frequency). This sequence change falls in intron 3 of the PREPL gene. It does not directly change the encoded amino acid sequence of the PREPL protein. It affects a nucleotide within the consensus splice site.

Literature cited by the submitters: PubMed 17576681; PubMed 9536098.